The following is an entry in ClinVar:

ClinVar aggregate classification (germline): Uncertain significance. Review status: criteria provided, multiple submitters, no conflicts (2 of 4 stars). 2 submissions from 2 submitters: Uncertain significance (2). Last evaluated 2026-07-24.

Conditions:
Hereditary cancer-predisposing syndrome. Also called: Tumor predisposition; Hereditary neoplastic syndrome; Hereditary Cancer Syndrome; Neoplastic Syndromes, Hereditary. Identifiers: Orphanet 140162, MedGen C0027672, MeSH D009386, MONDO:0015356.
Cardiovascular phenotype. Identifiers: MedGen CN230736.
Neurofibromatosis, type 1 (NF1). Also called: Peripheral type neurofibromatosis; VON RECKLINGHAUSEN DISEASE; NEUROFIBROMATOSIS, TYPE I, SOMATIC; Neurofibromatosis, type I. Identifiers: Orphanet 636, MedGen C0027831, MONDO:0018975, OMIM 162200. Disease mechanism: loss of function.

Submissions (2):

Ambry Genetics
Classification: Uncertain significance for Cardiovascular phenotype; Hereditary cancer-predisposing syndrome. Last evaluated: 2026-07-24. Review status: criteria provided, single submitter. Criteria: Ambry Variant Classification Scheme 2023. Collection method: clinical testing. Allele origin: germline.
Comment: The p.G2001R variant (also known as c.6001G>C), located in coding exon 40 of the NF1 gene, results from a G to C substitution at nucleotide position 6001. The glycine at codon 2001 is replaced by arginine, an amino acid with dissimilar properties. This amino acid position is highly conserved in available vertebrate species. In addition, this alteration is predicted to be deleterious by in silico analysis. Based on the available evidence, the clinical significance of this variant remains unclear.

Labcorp Genetics (formerly Invitae), Labcorp
Classification: Uncertain significance for Neurofibromatosis, type 1. Last evaluated: 2024-08-31. Review status: criteria provided, single submitter. Criteria: Invitae Variant Classification Sherloc (09022015). Collection method: clinical testing. Allele origin: germline.
Comment: This sequence change replaces glycine, which is neutral and non-polar, with arginine, which is basic and polar, at codon 2001 of the NF1 protein (p.Gly2001Arg). This variant is not present in population databases (gnomAD no frequency). This variant has not been reported in the literature in individuals affected with NF1-related conditions. Invitae Evidence Modeling of protein sequence and biophysical properties (such as structural, functional, and spatial information, amino acid conservation, physicochemical variation, residue mobility, and thermodynamic stability) indicates that this missense variant is expected to disrupt NF1 protein function with a positive predictive value of 95%. In summary, the available evidence is currently insufficient to determine the role of this variant in disease. Therefore, it has been classified as a Variant of Uncertain Significance.

NM_001042492.3(NF1):c.6064G>C (p.Gly2022Arg)

Gene: NF1 (neurofibromin 1; plus strand). Cytogenetic location: 17q11.2.
Variant type: single nucleotide variant.
Coding change: c.6064G>C on transcript NM_001042492.3 (MANE Select); coding-DNA position 6064, G replaced by C.
Protein change: p.Gly2022Arg; replaces glycine 2022 with arginine.
Molecular consequence: missense variant.
Genome position (GRCh38, 1-based): chr17:31,336,390, G>C. VCF-style: chr17-31336390-G-C. GRCh37 (hg19) VCF-style: chr17-29663408-G-C.
Other names: c.6001G>C, p.Gly2001Arg (NM_000267.4); short protein forms G2001R, G2022R.
Identifiers: ClinVar variation 3706403 (VCV003706403.3).